The following is an entry in ClinVar:

NM_000212.3(ITGB3):c.652C>T (p.His218Tyr)

Genes: ITGB3 (integrin subunit beta 3; plus strand), LOC130061043 (ATAC-STARR-seq lymphoblastoid active region 12307; plus strand). Cytogenetic location: 17q21.32.
Variant type: single nucleotide variant.
Coding change: c.652C>T on transcript NM_000212.3 (MANE Select); coding-DNA position 652, C replaced by T.
Protein change: p.His218Tyr; replaces histidine 218 with tyrosine.
Molecular consequence: missense variant.
Genome position (GRCh38, 1-based): chr17:47,286,297, C>T. VCF-style: chr17-47286297-C-T. GRCh37 (hg19) VCF-style: chr17-45363663-C-T.
Other names: NM_000212.3:c.652C>T; short protein forms H218Y.
Identifiers: ClinVar variation 1330327 (VCV001330327.3), dbSNP rs2143096777, ClinGen allele CA400023445.

ClinVar aggregate classification (germline): Uncertain significance. Review status: reviewed by expert panel (3 of 4 stars). 2 submissions from 2 submitters: Uncertain significance (1). 1 of the submissions does not count toward it. Last evaluated 2024-09-05.

Conditions:
Glanzmann thrombasthenia 2. Also called: BLEEDING DISORDER, PLATELET-TYPE, 23. Identifiers: MedGen C5543273, MONDO:0031009, OMIM 619267.
Glanzmann thrombasthenia. Also called: THROMBASTHENIA OF GLANZMANN AND NAEGELI; BLEEDING DISORDER, PLATELET-TYPE, 2; Thrombasthenia; PLATELET GLYCOPROTEIN IIb-IIIa DEFICIENCY; Glanzmann's thrombasthenia. Identifiers: Orphanet 849, MedGen C0040015, MONDO:0100326.

Submissions (2):

ClinGen Platelet Disorders Variant Curation Expert Panel, ClinGen
Classification: Uncertain significance for Glanzmann thrombasthenia. Last evaluated: 2024-09-05. Review status: reviewed by expert panel. Criteria: ClinGen Platelet ACMG Specifications v2-1. Collection method: curation. Allele origin: germline. Inheritance: Autosomal recessive inheritance.
Comment: The ITGB3 missense variant NM_000212.3:c.652C>T replaces the histidine residue with a tyrosine residue (p.His218Tyr). This variant has been observed in homozygosity in one individual (PM3_supporting) with a phenotype specific for Glanzmann's thrombasthenia (GT) (GT17, PMID: 16463284). All requirements for PP4_Moderate are met (GT17 in PMID: 16463284): history of bleeding and impaired aggregation to at least two agonists, but normal or only mildly reduced agglutination with ristocetin. This variant is absent from population databases, including gnomADv4.1.0 (PM2_supporting), and the in silico meta-predictor REVEL score for this variant is 0.938, exceeding the VCEP-established threshold of ≥0.7 and suggestive of a damaging effect on protein function (PP3). In summary, this variant is of uncertain significance and lacks sufficient evidence to be classified as pathogenic or benign for GT. GT-specific criteria applied: PP4_moderate, PM2_supporting, PM3_supporting, and PP3.

Genomic Medicine Center of Excellence, King Faisal Specialist Hospital and Research Centre
Classification: Uncertain significance for Glanzmann thrombasthenia 2. Last evaluated: 2024-09-22. Review status: criteria provided, single submitter. Criteria: ACMG Guidelines, 2015. Collection method: clinical testing. Allele origin: germline. Not counted in ClinVar's aggregate classification.